The following is an entry in ClinVar:

ClinVar aggregate classification (germline): Uncertain significance (1 of 4 stars; one submission).

Conditions:
Tuberous sclerosis 2 (TSC2). Identifiers: Orphanet 805, MedGen C1860707, MONDO:0013199, OMIM 613254.

Submission:

Labcorp Genetics (formerly Invitae), Labcorp
Classification: Uncertain significance for Tuberous sclerosis 2. Last evaluated: 2021-03-24. Review status: criteria provided, single submitter. Criteria: Invitae Variant Classification Sherloc (09022015). Collection method: clinical testing. Allele origin: germline.
Comment: In summary, the available evidence is currently insufficient to determine the role of this variant in disease. Therefore, it has been classified as a Variant of Uncertain Significance. Advanced modeling of protein sequence and biophysical properties (such as structural, functional, and spatial information, amino acid conservation, physicochemical variation, residue mobility, and thermodynamic stability) performed at Invitae indicates that this missense variant is not expected to disrupt TSC2 protein function. This variant has not been reported in the literature in individuals with TSC2-related conditions. This variant is not present in population databases (ExAC no frequency). This sequence change replaces histidine with aspartic acid at codon 1506 of the TSC2 protein (p.His1506Asp). The histidine residue is highly conserved and there is a moderate physicochemical difference between histidine and aspartic acid.

NM_000548.5(TSC2):c.4516C>G (p.His1506Asp)

Gene: TSC2 (TSC complex subunit 2; plus strand). Cytogenetic location: 16p13.3.
Variant type: single nucleotide variant.
Coding change: c.4516C>G on transcript NM_000548.5 (MANE Select); coding-DNA position 4516, C replaced by G.
Protein change: p.His1506Asp; replaces histidine 1506 with aspartic acid.
Molecular consequence: missense variant.
Genome position (GRCh38, 1-based): chr16:2,084,973, C>G. VCF-style: chr16-2084973-C-G. GRCh37 (hg19) VCF-style: chr16-2134974-C-G.
Other names: c.4315C>G, p.His1439Asp (NM_001077183.3); c.4447C>G, p.His1483Asp (NM_001114382.3); c.4207C>G, p.His1403Asp (NM_001318827.2); c.4171C>G, p.His1391Asp (NM_001318829.2); c.3784C>G, p.His1262Asp (NM_001318831.2); c.4348C>G, p.His1450Asp (NM_001318832.2); c.4318C>G, p.His1440Asp (NM_001363528.2); c.4384C>G, p.His1462Asp (NM_001370404.1); and 1 more; short protein forms H1262D, H1450D, H1462D, H1506D, H1439D, H1391D, H1403D, H1440D.
Identifiers: ClinVar variation 1367134 (VCV001367134.8), dbSNP rs1173459869, ClinGen allele CA394302758.
Genomic context (GRCh38, chr16:2,084,973, plus strand): 5'-GCCCTCACCTGGGTGCCCACCATCCCCTCCCTGTGCAGTTTCGTGTTCCTGCAGCTCTAC[C>G]ATTCCCCCTTCTTTGGCGACGAGTCAAACAAGCCAATCCTGCTGCCCAATGAGGTAGGCG-3'
Protein context (NP_000539.2, residues 1496-1516): NPSFVFLQLY[His1506Asp]SPFFGDESNK